The following is an entry in ClinVar:

NM_019055.6(ROBO4):c.1252G>A (p.Val418Met)

Gene: ROBO4 (roundabout guidance receptor 4; minus strand). Cytogenetic location: 11q24.2.
Variant type: single nucleotide variant.
Coding change: c.1252G>A on transcript NM_019055.6 (MANE Select); coding-DNA position 1252, G replaced by A.
Protein change: p.Val418Met; replaces valine 418 with methionine.
Molecular consequence: missense variant.
Genome position (GRCh38, 1-based): chr11:124,894,267, C>T on the plus strand (G>A on the coding strand, the complement: ROBO4 is on the minus strand). VCF-style: chr11-124894267-C-T. GRCh37 (hg19) VCF-style: chr11-124764163-C-T.
Other names: c.817G>A, p.Val273Met (NM_001301088.2); short protein forms V418M, V273M.
Identifiers: ClinVar variation 2593012 (VCV002593012.3), dbSNP rs751373555, ClinGen allele CA6345027.
Genomic context (GRCh38, chr11:124,894,267, plus strand): 5'-GGAGGCAGACAGGTCTACTGGGCTCCCCAGCTCCAGCACCAGTGACTGCAGCCACTTGCA[C>T]GCAGTAGGAGCCTGGCATATGGGTGGCGATTTCCAGCTGGGTCTGCTCACCAACTACAGT-3'
Protein context (NP_061928.4, residues 408-428): IATHMPGSYC[Val418Met]QVAAVTGAGA

ClinVar aggregate classification (germline): Uncertain significance. Review status: criteria provided, multiple submitters, no conflicts (2 of 4 stars). 2 submissions from 2 submitters: Uncertain significance (2). Last evaluated 2023-08-02.

Conditions:
ROBO4-related disorder. Also called: ROBO4-related condition.

Allele frequency attached by ClinVar (database versions not stated): gnomAD 0.00003; gnomAD exomes 0.00003; TOPMed 0.00006; ExAC 0.00007.

Submissions (2):

Ambry Genetics
Classification: Uncertain significance. Last evaluated: 2023-08-02. Review status: criteria provided, single submitter. Criteria: Ambry Variant Classification Scheme 2023. Collection method: clinical testing. Allele origin: germline.

PreventionGenetics, part of Exact Sciences
Classification: Uncertain significance for ROBO4-related condition. Last evaluated: 2023-04-07. Review status: criteria provided, single submitter. Criteria: ACMG Guidelines, 2015. Collection method: clinical testing. Allele origin: germline.
Comment: The ROBO4 c.1252G>A variant is predicted to result in the amino acid substitution p.Val418Met. To our knowledge, this variant has not been reported in the literature. This variant is reported in 0.051% of alleles in individuals of Latino descent in gnomAD. Although we suspect that this variant may be benign, at this time, the clinical significance of this variant is uncertain due to the absence of conclusive functional and genetic evidence.